The following is an entry in ClinVar:

ClinVar aggregate classification (germline): Uncertain significance (1 of 4 stars; one submission).

Submission:

GeneDx
Classification: Uncertain significance. Last evaluated: 2024-06-05. Review status: criteria provided, single submitter. Criteria: GeneDx Variant Classification Process June 2021. Collection method: clinical testing. Allele origin: germline. Affected: yes.
Comment: Not observed at significant frequency in large population cohorts (gnomAD); Missense variants in this gene are a common cause of disease and they are underrepresented in the general population; In silico analysis supports that this missense variant has a deleterious effect on protein structure/function; Has not been previously published as pathogenic or benign to our knowledge; This variant is associated with the following publications: (PMID: 29493581)

NM_005633.4(SOS1):c.2345T>C (p.Ile782Thr)

Gene: SOS1 (SOS Ras/Rac guanine nucleotide exchange factor 1; minus strand). Cytogenetic location: 2p22.1.
Variant type: single nucleotide variant.
Coding change: c.2345T>C on transcript NM_005633.4 (MANE Select); coding-DNA position 2345, T replaced by C.
Protein change: p.Ile782Thr; replaces isoleucine 782 with threonine.
Molecular consequence: missense variant.
Genome position (GRCh38, 1-based): chr2:39,012,171, A>G on the plus strand (T>C on the coding strand, the complement: SOS1 is on the minus strand). VCF-style: chr2-39012171-A-G. GRCh37 (hg19) VCF-style: chr2-39239312-A-G.
Other names: c.2324T>C, p.Ile775Thr (NM_001382394.1); c.2345T>C, p.Ile782Thr (NM_001382395.1); short protein forms I775T, I782T.
Identifiers: ClinVar variation 3384493 (VCV003384493.1).
Genomic context (GRCh38, chr2:39,012,171, plus strand): 5'-TGTTAAATTACATACCGGTATAGATCTGATTCAAGTAAAGTGAGTTGTCGAGCAATTTCT[A>G]TTGGGTGTAAGGTGAGCAGGTCAAAAGTCTCTATGTGCCCAGGTCTGCTTATATGCCACT-3'
Protein context (NP_005624.2, residues 772-792): ETFDLLTLHP[Ile782Thr]EIARQLTLLE